The following is an entry in ClinVar:

ClinVar aggregate classification (germline): Uncertain significance (1 of 4 stars; one submission).

Conditions:
Cardiovascular phenotype. Identifiers: MedGen CN230736.

Submission:

Ambry Genetics
Classification: Uncertain significance for Cardiovascular phenotype. Last evaluated: 2024-12-20. Review status: criteria provided, single submitter. Criteria: Ambry Variant Classification Scheme 2023. Collection method: clinical testing. Allele origin: germline.
Comment: The p.A32T variant (also known as c.94G>A), located in coding exon 1 of the HCN4 gene, results from a G to A substitution at nucleotide position 94. The alanine at codon 32 is replaced by threonine, an amino acid with similar properties. This amino acid position is conserved. In addition, this alteration is predicted to be tolerated by in silico analysis. Based on the available evidence, the clinical significance of this variant remains unclear.

NM_005477.3(HCN4):c.94G>A (p.Ala32Thr)

Gene: HCN4 (hyperpolarization activated cyclic nucleotide gated potassium channel 4; minus strand). Cytogenetic location: 15q24.1.
Variant type: single nucleotide variant.
Coding change: c.94G>A on transcript NM_005477.3 (MANE Select); coding-DNA position 94, G replaced by A.
Protein change: p.Ala32Thr; replaces alanine 32 with threonine.
Molecular consequence: missense variant.
Genome position (GRCh38, 1-based): chr15:73,368,177, C>T on the plus strand (G>A on the coding strand, the complement: HCN4 is on the minus strand). VCF-style: chr15-73368177-C-T. GRCh37 (hg19) VCF-style: chr15-73660518-C-T.
Other names: short protein forms A32T.
Identifiers: ClinVar variation 3856991 (VCV003856991.1).
Genomic context (GRCh38, chr15:73,368,177, plus strand): 5'-GCCGCAGCCGGATGCTCCTGCGGCTGGGGTCTTGGCGGCCCCCGGCCCCCTCCTCCTCGG[C>T]GTCCTCTTCCTCGTCCATGATCCACGCCTTGGCCCCCACCTGCTGCGGGAGGCTGTAGAG-3'
Protein context (NP_005468.1, residues 22-42): KAWIMDEEED[Ala32Thr]EEEGAGGRQD